The following is an entry in ClinVar:

ClinVar aggregate classification (germline): Uncertain significance (1 of 4 stars; one submission).

Conditions:
Hypertrophic cardiomyopathy 26. Also called: Cardiomyopathy, familial hypertrophic, 26. Identifiers: Orphanet 75249, MedGen C4310749, MONDO:0014883, OMIM 617047.
Myofibrillar myopathy 5. Also called: Filaminopathy (type); FILAMINOPATHY, AUTOSOMAL DOMINANT. Identifiers: Orphanet 171445, MedGen C1836050, MONDO:0012289, OMIM 609524.
Distal myopathy with posterior leg and anterior hand involvement. Also called: WILLIAMS DISTAL MYOPATHY. Identifiers: Orphanet 63273, MedGen C3279722, MONDO:0013550, OMIM 614065.

Submission:

Labcorp Genetics (formerly Invitae), Labcorp
Classification: Uncertain significance for Distal myopathy with posterior leg and anterior hand involvement; Myofibrillar myopathy 5; Hypertrophic cardiomyopathy 26. Last evaluated: 2024-08-28. Review status: criteria provided, single submitter. Criteria: Invitae Variant Classification Sherloc (09022015). Collection method: clinical testing. Allele origin: germline.
Comment: This sequence change replaces tyrosine, which is neutral and polar, with histidine, which is basic and polar, at codon 2108 of the FLNC protein (p.Tyr2108His). This variant is not present in population databases (gnomAD no frequency). This variant has not been reported in the literature in individuals affected with FLNC-related conditions. Invitae Evidence Modeling of protein sequence and biophysical properties (such as structural, functional, and spatial information, amino acid conservation, physicochemical variation, residue mobility, and thermodynamic stability) has been performed for this missense variant. However, the output from this modeling did not meet the statistical confidence thresholds required to predict the impact of this variant on FLNC protein function. In summary, the available evidence is currently insufficient to determine the role of this variant in disease. Therefore, it has been classified as a Variant of Uncertain Significance.

NM_001458.5(FLNC):c.6322T>C (p.Tyr2108His)

Genes: FLNC (filamin C; plus strand), FLNC-AS1 (FLNC antisense RNA 1; minus strand). Cytogenetic location: 7q32.1.
Variant type: single nucleotide variant.
Coding change: c.6322T>C on transcript NM_001458.5 (MANE Select); coding-DNA position 6322, T replaced by C.
Protein change: p.Tyr2108His; replaces tyrosine 2108 with histidine.
Molecular consequence: missense variant.
Genome position (GRCh38, 1-based): chr7:128,853,582, T>C. VCF-style: chr7-128853582-T-C. GRCh37 (hg19) VCF-style: chr7-128493636-T-C.
Other names: c.6223T>C, p.Tyr2075His (NM_001127487.2); short protein forms Y2075H, Y2108H.
Identifiers: ClinVar variation 3763923 (VCV003763923.2).